The following is an entry in ClinVar:

ClinVar aggregate classification (germline): Uncertain significance (1 of 4 stars; one submission).

Conditions:
Duchenne muscular dystrophy (DMD). Also called: Duchenne Muscular Dystrophy (DMD); MUSCULAR DYSTROPHY, PSEUDOHYPERTROPHIC PROGRESSIVE, DUCHENNE TYPE. Identifiers: Orphanet 98896, MedGen C0013264, MONDO:0010679, OMIM 310200.

Submission:

Labcorp Genetics (formerly Invitae), Labcorp
Classification: Uncertain significance for Duchenne muscular dystrophy. Last evaluated: 2019-05-31. Review status: criteria provided, single submitter. Criteria: Invitae Variant Classification Sherloc (09022015). Collection method: clinical testing. Allele origin: germline.
Comment: This sequence change replaces leucine with isoleucine at codon 823 of the DMD protein (p.Leu823Ile). The leucine residue is moderately conserved and there is a small physicochemical difference between leucine and isoleucine. This variant is not present in population databases (ExAC no frequency). This variant has not been reported in the literature in individuals with DMD-related conditions. Algorithms developed to predict the effect of missense changes on protein structure and function are either unavailable or do not agree on the potential impact of this missense change (SIFT: "Tolerated"; PolyPhen-2: "Possibly Damaging"; Align-GVGD: "Class C0"). In summary, the available evidence is currently insufficient to determine the role of this variant in disease. Therefore, it has been classified as a Variant of Uncertain Significance.

NM_004006.3(DMD):c.2467C>A (p.Leu823Ile)

Gene: DMD (dystrophin; minus strand). Cytogenetic location: Xp21.1.
Variant type: single nucleotide variant.
Coding change: c.2467C>A on transcript NM_004006.3 (MANE Select); coding-DNA position 2467, C replaced by A.
Protein change: p.Leu823Ile; replaces leucine 823 with isoleucine.
Molecular consequence: missense variant.
Genome position (GRCh38, 1-based): chrX:32,491,432, G>T on the plus strand (C>A on the coding strand, the complement: DMD is on the minus strand). VCF-style: chrX-32491432-G-T. GRCh37 (hg19) VCF-style: chrX-32509549-G-T.
Other names: c.2443C>A, p.Leu815Ile (NM_000109.4); c.2455C>A, p.Leu819Ile (NM_004009.3); c.2098C>A, p.Leu700Ile (NM_004010.3); short protein forms L823I, L700I, L819I, L815I.
Identifiers: ClinVar variation 945262 (VCV000945262.1), dbSNP rs1361636867, ClinGen allele CA412672630.
Genomic context (GRCh38, chrX:32,491,432, plus strand): 5'-CCAATTGTTGTAGCTGATTATAGAAAGCGATGATGTTGTTCTGATACTCCAGCCAGTTAA[G>T]TCTCTCACTTAGCAACTGGCAGAATTCGATCCACCGGCTGTTCAGTTGTTCTGAGGCTTG-3'
Protein context (NP_003997.2, residues 813-833): IEFCQLLSER[Leu823Ile]NWLEYQNNII